The following is an entry in ClinVar:

NM_001003800.2(BICD2):c.671G>A (p.Ser224Asn)

Gene: BICD2 (BICD cargo adaptor 2; minus strand). Cytogenetic location: 9q22.31.
Variant type: single nucleotide variant.
Coding change: c.671G>A on transcript NM_001003800.2 (MANE Select); coding-DNA position 671, G replaced by A.
Protein change: p.Ser224Asn; replaces serine 224 with asparagine.
Molecular consequence: missense variant.
Genome position (GRCh38, 1-based): chr9:92,720,691, C>T on the plus strand (G>A on the coding strand, the complement: BICD2 is on the minus strand). VCF-style: chr9-92720691-C-T. GRCh37 (hg19) VCF-style: chr9-95482973-C-T.
Other names: c.671G>A, p.Ser224Asn (NM_015250.4); short protein forms S224N.
Identifiers: ClinVar variation 3644289 (VCV003644289.2).
Genomic context (GRCh38, chr9:92,720,691, plus strand): 5'-AGCGCCTCCTCCAGCTGCCGCTCTGAGATCTCCTTGAGGCGGATGGCATCCTCCAGCTGG[C>T]TGTTGAGGTACTCGGTCTCCTCCTCCAGACGCTTGATCTCATGCTTGAGGCCCTCAAACT-3'
Protein context (NP_001003800.1, residues 214-234): RLEEETEYLN[Ser224Asn]QLEDAIRLKE

ClinVar aggregate classification (germline): Uncertain significance (1 of 4 stars; one submission).

Conditions:
Autosomal dominant childhood-onset proximal spinal muscular atrophy with contractures (SMALED2A). Also called: Spinal muscular atrophy, lower extremity-predominant, 2A, autosomal dominant; SPINAL MUSCULAR ATROPHY, LOWER EXTREMITY-PREDOMINANT, 2A, CHILDHOOD ONSET, AUTOSOMAL DOMINANT. Identifiers: Orphanet 363447, Orphanet 363454, MedGen C4747715, MONDO:0014121, OMIM 615290.

gnomAD v4.1: 3 of 1,614,160 alleles (0.00019%); highest among the groups gnomAD compares: South Asian, 0.0011%; no homozygotes.

Submission:

Labcorp Genetics (formerly Invitae), Labcorp
Classification: Uncertain significance for Autosomal dominant childhood-onset proximal spinal muscular atrophy with contractures. Last evaluated: 2024-03-03. Review status: criteria provided, single submitter. Criteria: Invitae Variant Classification Sherloc (09022015). Collection method: clinical testing. Allele origin: germline.
Comment: This sequence change replaces serine, which is neutral and polar, with asparagine, which is neutral and polar, at codon 224 of the BICD2 protein (p.Ser224Asn). This variant is present in population databases (no rsID available, gnomAD 0.003%). This variant has not been reported in the literature in individuals affected with BICD2-related conditions. Advanced modeling of protein sequence and biophysical properties (such as structural, functional, and spatial information, amino acid conservation, physicochemical variation, residue mobility, and thermodynamic stability) performed at Invitae indicates that this missense variant is not expected to disrupt BICD2 protein function with a negative predictive value of 80%. In summary, the available evidence is currently insufficient to determine the role of this variant in disease. Therefore, it has been classified as a Variant of Uncertain Significance.